The following is an entry in ClinVar:

NM_000214.3(JAG1):c.217dup (p.Thr73fs)

Gene: JAG1 (jagged canonical Notch ligand 1; minus strand). Cytogenetic location: 20p12.2.
Variant type: Duplication.
Coding change: c.217dup on transcript NM_000214.3 (MANE Select); coding-DNA position 217, one base duplicated (A; older notation c.217dupA).
Protein change: p.Thr73fs; shifts the reading frame from threonine 73.
Molecular consequence: frameshift variant.
Genome position (GRCh38, 1-based): chr20:10,672,871, T duplicated on the plus strand (A on the coding strand, the reverse complement: JAG1 is on the minus strand). VCF-style (leftmost placement, unchanged base first): chr20-10672870-G-GT. GRCh37 (hg19) VCF-style: chr20-10653518-G-GT.
Other names: short protein forms T73fs.
Identifiers: ClinVar variation 2848926 (VCV002848926.3), dbSNP rs2514537928, ClinGen allele CA2739277083.

ClinVar aggregate classification (germline): Pathogenic (1 of 4 stars; one submission).

Conditions:
Alagille syndrome due to a JAG1 point mutation. Also called: Alagille Syndrome 1; JAG1-Related Alagille Syndrome; HEPATIC DUCTULAR HYPOPLASIA, SYNDROMATIC. Identifiers: Orphanet 261619, Orphanet 52, MedGen C1956125, MONDO:0016862, OMIM 118450.

Submission:

Labcorp Genetics (formerly Invitae), Labcorp
Classification: Pathogenic for Alagille syndrome due to a JAG1 point mutation. Last evaluated: 2023-03-23. Review status: criteria provided, single submitter. Criteria: Invitae Variant Classification Sherloc (09022015). Collection method: clinical testing. Allele origin: germline.
Comment: This sequence change creates a premature translational stop signal (p.Thr73Asnfs*71) in the JAG1 gene. It is expected to result in an absent or disrupted protein product. Loss-of-function variants in JAG1 are known to be pathogenic (PMID: 11180599). This variant is not present in population databases (gnomAD no frequency). This variant has not been reported in the literature in individuals affected with JAG1-related conditions. For these reasons, this variant has been classified as Pathogenic.

Literature cited by the submitters: PubMed 11180599.